The following is an entry in ClinVar:

ClinVar aggregate classification (germline): Uncertain significance. Review status: criteria provided, multiple submitters, no conflicts (2 of 4 stars). 2 submissions from 2 submitters: Uncertain significance (2). Last evaluated 2025-12-11.

Conditions:
Specific granule deficiency. Identifiers: Orphanet 169142, MedGen C0398593, MONDO:0009506.
Inborn genetic diseases. Identifiers: MedGen C0950123, MeSH D030342.

Submissions (2):

Ambry Genetics
Classification: Uncertain significance for Inborn genetic diseases. Last evaluated: 2025-12-11. Review status: criteria provided, single submitter. Criteria: Ambry Variant Classification Scheme 2023. Collection method: clinical testing. Allele origin: germline.

Labcorp Genetics (formerly Invitae), Labcorp
Classification: Uncertain significance for Specific granule deficiency. Last evaluated: 2025-09-03. Review status: criteria provided, single submitter. Criteria: Invitae Variant Classification Sherloc (09022015). Collection method: clinical testing. Allele origin: germline.
Comment: This sequence change replaces arginine, which is basic and polar, with cysteine, which is neutral and slightly polar, at codon 167 of the CEBPE protein (p.Arg167Cys). The frequency data for this variant in the population databases is considered unreliable, as metrics indicate poor data quality at this position in the gnomAD database. This variant has not been reported in the literature in individuals affected with CEBPE-related conditions. ClinVar contains an entry for this variant (Variation ID: 659768). An algorithm developed to predict the effect of missense changes on protein structure and function (PolyPhen-2) suggests that this variant is likely to be disruptive. In summary, the available evidence is currently insufficient to determine the role of this variant in disease. Therefore, it has been classified as a Variant of Uncertain Significance.

NM_001805.4(CEBPE):c.499C>T (p.Arg167Cys)

Gene: CEBPE (CCAAT enhancer binding protein epsilon; minus strand). Cytogenetic location: 14q11.2.
Variant type: single nucleotide variant.
Coding change: c.499C>T on transcript NM_001805.4 (MANE Select); coding-DNA position 499, C replaced by T.
Protein change: p.Arg167Cys; replaces arginine 167 with cysteine.
Molecular consequence: missense variant.
Genome position (GRCh38, 1-based): chr14:23,118,593, G>A on the plus strand (C>T on the coding strand, the complement: CEBPE is on the minus strand). VCF-style: chr14-23118593-G-A. GRCh37 (hg19) VCF-style: chr14-23587802-G-A.
Other names: c.499C>T (NM_001805.2); short protein forms R167C.
Identifiers: ClinVar variation 659768 (VCV000659768.9), dbSNP rs559886851, ClinGen allele CA7111194.
Genomic context (GRCh38, chr14:23,118,593, plus strand): 5'-CAGCCTCTCCAGCCCCGGGCAGGAGGGAGGAGGGCTGGCCTGCTCTTACCTTGAGAACGC[G>A]CAGAGGCTGGCCGGGTGCTGCCAGAGTTGGGGGCAGGTGCATGGCTGTCTGCCCACAGTG-3'
Protein context (NP_001796.2, residues 157-177): PTLAAPGQPL[Arg167Cys]VLKAPLATAA